The following is an entry in ClinVar:

NM_006312.6(NCOR2):c.4803C>T (p.Pro1601=)

Gene: NCOR2 (nuclear receptor corepressor 2; minus strand). Cytogenetic location: 12q24.31.
Variant type: single nucleotide variant.
Coding change: c.4803C>T on transcript NM_006312.6 (MANE Select); coding-DNA position 4803, C replaced by T.
Protein change: p.Pro1601=; no amino-acid change (proline 1601 retained).
Molecular consequence: synonymous variant.
Genome position (GRCh38, 1-based): chr12:124,343,138, G>A on the plus strand (C>T on the coding strand, the complement: NCOR2 is on the minus strand). VCF-style: chr12-124343138-G-A. GRCh37 (hg19) VCF-style: chr12-124827684-G-A.
Other names: c.4773C>T, p.Pro1591= (NM_001077261.4, NM_001206654.2).
Identifiers: ClinVar variation 3033783 (VCV003033783.2), dbSNP rs368815133, ClinGen allele CA245214624.
Genomic context (GRCh38, chr12:124,343,138, plus strand): 5'-CACGCCACTCACGCCCCGAAGCAGGTGCTCATAGGGCGAGATGGGGTGTGGGTGGTGCTC[G>A]GGCACGGTGCTGTGCGGGGACTTGGCGATCTCACGAGGCGTCGACGTCAGCTTTCGGTCC-3'
Protein context (NP_006303.4, residues 1591-1611): EIAKSPHSTV[Pro1601=]EHHPHPISPY

ClinVar aggregate classification (germline): Likely benign (0 of 4 stars; one submission).

Conditions:
NCOR2-related disorder. Also called: NCOR2-related condition.

Allele frequency attached by ClinVar (database versions not stated): gnomAD 0.00006; TOPMed 0.00006; gnomAD exomes 0.00007; ESP Exome Variant Server 0.00008.
gnomAD v4.1: 110 of 1,611,926 alleles (0.0068%); highest among the groups gnomAD compares: Non-Finnish European, 0.0082%; no homozygotes.

Submission:

PreventionGenetics, part of Exact Sciences
Classification: Likely benign for NCOR2-related condition. Last evaluated: 2019-06-07. Review status: no assertion criteria provided. Collection method: clinical testing. Allele origin: germline.
Comment: This variant is classified as likely benign based on ACMG/AMP sequence variant interpretation guidelines (Richards et al. 2015 PMID: 25741868, with internal and published modifications).